The following is an entry in ClinVar:

ClinVar aggregate classification (germline): Pathogenic/Likely pathogenic. Review status: criteria provided, multiple submitters, no conflicts (2 of 4 stars). 3 submissions from 3 submitters: Pathogenic (1); Likely pathogenic (2). Last evaluated 2022-12-12.

Conditions:
Diastrophic dysplasia (DTD). Also called: Diastrophic dwarfism. Identifiers: Orphanet 628, MedGen C0220726, MONDO:0009107, OMIM 222600.
Achondrogenesis, type IB (ACG1B). Also called: Achondrogenesis Type 1B. Identifiers: Orphanet 932, Orphanet 93298, MedGen C0265274, MONDO:0010966, OMIM 600972.
Multiple epiphyseal dysplasia type 4 (EDM4). Also called: Multiple Epiphyseal Dysplasia, Recessive; SLC26A2-Related Multiple Epiphyseal Dysplasia; MULTIPLE EPIPHYSEAL DYSPLASIA WITH BILAYERED PATELLAE; MULTIPLE EPIPHYSEAL DYSPLASIA WITH CLUBFOOT; MULTIPLE EPIPHYSEAL DYSPLASIA, AUTOSOMAL RECESSIVE. Identifiers: Orphanet 93307, MedGen C1847593, MONDO:0009189, OMIM 226900.
Atelosteogenesis type II (AO2). Also called: SLC26A2-Related Atelosteogenesis; Neonatal osseous dysplasia 1; NEONATAL OSSEOUS DYSPLASIA I. Identifiers: Orphanet 56304, MedGen C1850554, MONDO:0009727, OMIM 256050.
Sulfate transporter-related osteochondrodysplasia. Also called: DTDST-related dysplasias. Identifiers: MedGen CN120497. Disease mechanism: loss of function.

Submissions (3):

Baylor Genetics
Classification: Likely pathogenic for Achondrogenesis, type IB. Last evaluated: 2022-12-12. Review status: criteria provided, single submitter. Criteria: ACMG Guidelines, 2015. Collection method: clinical testing. Allele origin: unknown.

Women's Health and Genetics/Laboratory Corporation of America, LabCorp
Classification: Likely pathogenic for Osteochondrodysplasia. Last evaluated: 2022-07-14. Review status: criteria provided, single submitter. Criteria: LabCorp Variant Classification Summary - May 2015. Collection method: clinical testing. Allele origin: germline.
Comment: Variant summary: SLC26A2 c.1707C>G (p.Tyr569X) results in a premature termination codon, predicted to cause a truncation of the encoded protein or absence of the protein due to nonsense mediated decay, which are commonly known mechanisms for disease. Truncations downstream of this position have been classified as pathogenic by our laboratory. The variant was absent in 251228 control chromosomes. To our knowledge, no occurrence of c.1707C>G in individuals affected with Sulfate Transporter-Related Osteochondrodysplasia and no experimental evidence demonstrating its impact on protein function have been reported. One clinical diagnostic laboratory has submitted clinical-significance assessments for this variant to ClinVar after 2014 without evidence for independent evaluation. Another laboratory classified the variant as pathogenic. Based on the evidence outlined above, the variant was classified as likely pathogenic.

Labcorp Genetics (formerly Invitae), Labcorp
Classification: Pathogenic for Atelosteogenesis type II; Multiple epiphyseal dysplasia type 4; Achondrogenesis, type IB; Diastrophic dysplasia. Last evaluated: 2018-11-15. Review status: criteria provided, single submitter. Criteria: Invitae Variant Classification Sherloc (09022015). Collection method: clinical testing. Allele origin: germline.
Comment: This variant has not been reported in the literature in individuals with SLC26A2-related disease. ClinVar contains an entry for this variant (Variation ID: 495551). This sequence change results in a premature translational stop signal in the SLC26A2 gene (p.Tyr569*). While this is not anticipated to result in nonsense mediated decay, it is expected to disrupt the last 171 amino acids of the SLC26A2 protein. This variant is not present in population databases (ExAC no frequency). Algorithms developed to predict the effect of sequence changes on RNA splicing suggest that this variant may create or strengthen a splice site, but this prediction has not been confirmed by published transcriptional studies. This variant disrupts the C-terminus of the SLC26A2 protein. Other variant(s) that disrupt this region (p.Lys575Serfs*10) have been determined to be pathogenic (PMID: 8571951, 8528239). This suggests that variants that disrupt this region of the protein are likely to be causative of disease. For these reasons, this variant has been classified as Pathogenic.

Literature cited by the submitters: PubMed 8571951 (cited by Labcorp Genetics (formerly Invitae), Labcorp); PubMed 8528239 (cited by Labcorp Genetics (formerly Invitae), Labcorp).

NM_000112.4(SLC26A2):c.1707C>G (p.Tyr569Ter)

Gene: SLC26A2 (solute carrier family 26 member 2; plus strand). Cytogenetic location: 5q32.
Variant type: single nucleotide variant.
Coding change: c.1707C>G on transcript NM_000112.4 (MANE Select); coding-DNA position 1707, C replaced by G.
Protein change: p.Tyr569Ter; replaces tyrosine 569 with a stop codon.
Molecular consequence: nonsense.
Genome position (GRCh38, 1-based): chr5:149,981,300, C>G. VCF-style: chr5-149981300-C-G. GRCh37 (hg19) VCF-style: chr5-149360863-C-G.
Other names: short protein forms Y569*.
Identifiers: ClinVar variation 495551 (VCV000495551.12), dbSNP rs766836061, ClinGen allele CA361708540.
Genomic context (GRCh38, chr5:149,981,300, plus strand): 5'-AAAGAGTTCACTGCTTGGCTTGGTGGAAGAGTCTGAGGTCTTTGAATCTGTGTCTGCTTA[C>G]AAGAACCTTCAGATTAAGCCAGGCATCAAGATTTTCCGCTTTGTAGCCCCTCTCTACTAC-3'